The following is an entry in ClinVar:

NM_178013.4(PRIMA1):c.186_194dup (p.Pro68_Pro70dup)

Gene: PRIMA1 (proline rich membrane anchor 1; minus strand). Cytogenetic location: 14q32.12.
Variant type: Duplication.
Coding change: c.186_194dup on transcript NM_178013.4 (MANE Select); coding-DNA positions 186 to 194, 9 bases duplicated (GCCGCCCCC; older notation c.186_194dupGCCGCCCCC).
Protein change: p.Pro68_Pro70dup.
Molecular consequence: inframe insertion.
Genome position (GRCh38, 1-based): chr14:93,779,211-93,779,219, GGGGGCGGC duplicated on the plus strand (GCCGCCCCC on the coding strand, the reverse complement: PRIMA1 is on the minus strand); duplicating any 9 consecutive bases within chr14:93,779,211-93,779,225 gives the same sequence; the c. name uses the placement nearest the transcript's 3' end. VCF-style (leftmost placement, unchanged base first): chr14-93779210-T-TGGGGGCGGC. GRCh37 (hg19) VCF-style: chr14-94245556-T-TGGGGGCGGC.
Identifiers: ClinVar variation 1055237 (VCV001055237.9), dbSNP rs1885310371, ClinGen allele CA2155683362.

ClinVar aggregate classification (germline): Uncertain significance (1 of 4 stars; one submission).

Conditions:
Familial sleep-related hypermotor epilepsy. Also called: Autosomal Dominant Sleep-Related Hypermotor (Hyperkinetic) Epilepsy. Identifiers: Orphanet 98784, MedGen C3696898, MONDO:0000030.

Submission:

Labcorp Genetics (formerly Invitae), Labcorp
Classification: Uncertain significance for Familial sleep-related hypermotor epilepsy. Last evaluated: 2022-06-13. Review status: criteria provided, single submitter. Criteria: Invitae Variant Classification Sherloc (09022015). Collection method: clinical testing. Allele origin: germline.
Comment: In summary, the available evidence is currently insufficient to determine the role of this variant in disease. Therefore, it has been classified as a Variant of Uncertain Significance. Experimental studies and prediction algorithms are not available or were not evaluated, and the functional significance of this variant is currently unknown. ClinVar contains an entry for this variant (Variation ID: 1055237). This variant has not been reported in the literature in individuals affected with PRIMA1-related conditions. This variant is not present in population databases (gnomAD no frequency). This variant, c.186_194dup, results in the insertion of 3 amino acid(s) of the PRIMA1 protein (p.Pro68_Pro70dup), but otherwise preserves the integrity of the reading frame.